The following is an entry in ClinVar:

ClinVar aggregate classification (germline): Conflicting classifications of pathogenicity. Review status: criteria provided, conflicting classifications (1 of 4 stars). 2 submissions from 2 submitters: Uncertain significance (1); Likely benign (1). Last evaluated 2025-12-14.

Conditions:
Hyperornithinemia-hyperammonemia-homocitrullinuria syndrome (HHHS). Also called: Ornithine translocase deficiency; HHH SYNDROME. Identifiers: Orphanet 415, MedGen C0268540, MONDO:0009393, OMIM 238970.

Allele frequency attached by ClinVar (database versions not stated): ExAC 0.00005; TOPMed 0.00005; 1000 Genomes Project 0.00020; 1000 Genomes Project 30x 0.00031.
gnomAD v4.1: 24 of 1,613,478 alleles (0.0015%); highest among the groups gnomAD compares: Admixed American, 0.012%; no homozygotes.

Submissions (2):

Labcorp Genetics (formerly Invitae), Labcorp
Classification: Likely benign for Hyperornithinemia-hyperammonemia-homocitrullinuria syndrome. Last evaluated: 2025-12-14. Review status: criteria provided, single submitter. Criteria: Invitae Variant Classification Sherloc (09022015). Collection method: clinical testing. Allele origin: germline.

Illumina Laboratory Services, Illumina
Classification: Uncertain significance for Hyperornithinemia-hyperammonemia-homocitrullinuria syndrome. Last evaluated: 2017-04-28. Review status: criteria provided, single submitter. Criteria: ICSL Variant Classification Criteria 13 December 2019. Collection method: clinical testing. Allele origin: germline.
Comment: This variant was observed as part of a predisposition screen in an ostensibly healthy population. A literature search was performed for the gene, cDNA change, and amino acid change (where applicable). Publications were found based on this search. However, the evidence from the literature, in combination with allele frequency data from public databases where available, was not sufficient to rule this variant in or out of causing disease. Therefore, this variant is classified as a variant of unknown significance.

Literature cited by the submitters: PubMed 25874378 (cited by Illumina Laboratory Services, Illumina).

NM_014252.4(SLC25A15):c.45G>A (p.Ala15=)

Gene: SLC25A15 (solute carrier family 25 member 15; plus strand). Cytogenetic location: 13q14.11.
Variant type: single nucleotide variant.
Coding change: c.45G>A on transcript NM_014252.4 (MANE Select); coding-DNA position 45, G replaced by A.
Protein change: p.Ala15=; no amino-acid change (alanine 15 retained).
Molecular consequence: synonymous variant.
Genome position (GRCh38, 1-based): chr13:40,793,271, G>A. VCF-style: chr13-40793271-G-A. GRCh37 (hg19) VCF-style: chr13-41367407-G-A.
Identifiers: ClinVar variation 880665 (VCV000880665.8), dbSNP rs200958757, ClinGen allele CA6959593.